The following is an entry in ClinVar:

ClinVar aggregate classification (germline): Uncertain significance (1 of 4 stars; one submission).

Submission:

GeneDx
Classification: Uncertain significance. Last evaluated: 2024-10-02. Review status: criteria provided, single submitter. Criteria: GeneDx Variant Classification Process June 2021. Collection method: clinical testing. Allele origin: germline. Affected: yes.
Comment: Not observed at significant frequency in large population cohorts (gnomAD); In-frame deletion of 2 amino acids and insertion of 1 different amino acid in a non-repeat region; In silico analysis indicates that this variant does not alter protein structure/function; Has not been previously published as pathogenic or benign to our knowledge

NM_001042492.3(NF1):c.2828_2830del (p.Lys943_Phe944delinsIle)

Gene: NF1 (neurofibromin 1; plus strand). Cytogenetic location: 17q11.2.
Variant type: Deletion.
Coding change: c.2828_2830del on transcript NM_001042492.3 (MANE Select); coding-DNA positions 2828 to 2830, 3 bases deleted (AGT; older notation c.2828_2830delAGT).
Protein change: p.Lys943_Phe944delinsIle.
Molecular consequence: inframe indel.
Genome position (GRCh38, 1-based): chr17:31,229,443-31,229,445, AGT deleted. VCF-style (leftmost placement, unchanged base first): chr17-31229442-AAGT-A. GRCh37 (hg19) VCF-style: chr17-29556460-AAGT-A.
Other names: c.2828_2830delAGT, p.Lys943_Phe944delinsIle (NM_000267.4).
Identifiers: ClinVar variation 3776429 (VCV003776429.1).